The following is an entry in ClinVar:

ClinVar aggregate classification (germline): Likely benign (0 of 4 stars; one submission).

Conditions:
DDX10-related disorder. Also called: DDX10-related condition.

Submission:

PreventionGenetics, part of Exact Sciences
Classification: Likely benign for DDX10-related condition. Last evaluated: 2023-04-17. Review status: no assertion criteria provided. Collection method: clinical testing. Allele origin: germline.
Comment: This variant is classified as likely benign based on ACMG/AMP sequence variant interpretation guidelines (Richards et al. 2015 PMID: 25741868, with internal and published modifications).

NM_004398.4(DDX10):c.1749AGA[3] (p.Glu586del)

Gene: DDX10 (DEAD-box helicase 10; plus strand). Cytogenetic location: 11q22.3.
Variant type: Microsatellite.
Coding change: c.1749AGA[3] on transcript NM_004398.4 (MANE Select); three copies in a row of the 3-base unit AGA starting at c.1749; the reference has four copies in a row; one copy, 3 bases deleted.
Protein change: p.Glu586del; deletes glutamic acid 586.
Genome position (GRCh38, 1-based): chr11:108,723,255-108,723,257, AGA deleted; deleting any 3 consecutive bases within chr11:108,723,244-108,723,257 gives the same sequence; the position shown is the placement nearest the transcript's 3' end. VCF-style (leftmost placement, unchanged base first): chr11-108723243-GGAA-G. GRCh37 (hg19) VCF-style: chr11-108593970-GGAA-G.
Other names: short protein forms E586del.
Identifiers: ClinVar variation 3040076 (VCV003040076.2), dbSNP rs563167397, ClinGen allele CA6268978.